The following is an entry in ClinVar:

ClinVar aggregate classification (germline): Uncertain significance (1 of 4 stars; one submission).

Conditions:
Hereditary cancer-predisposing syndrome. Also called: Neoplastic Syndromes, Hereditary; Tumor predisposition; Hereditary Cancer Syndrome; Hereditary neoplastic syndrome. Identifiers: Orphanet 140162, MedGen C0027672, MeSH D009386, MONDO:0015356.

Submission:

Ambry Genetics
Classification: Uncertain significance for Hereditary cancer-predisposing syndrome. Last evaluated: 2024-08-16. Review status: criteria provided, single submitter. Criteria: Ambry Variant Classification Scheme 2023. Collection method: clinical testing. Allele origin: germline.
Comment: The c.1313-1G>A intronic variant results from a G to A substitution one nucleotide upstream from coding exon 10 of the APC gene. Alterations that disrupt the canonical splice site are expected to cause aberrant splicing. This nucleotide position is highly conserved in available vertebrate species. In silico splice site analysis predicts that this alteration will weaken the native splice acceptor site and will result in the creation or strengthening of a novel splice acceptor site. The resulting transcript is predicted to be in-frame and is not expected to trigger nonsense-mediated mRNA decay. RNA studies have demonstrated that this alteration results in a transcript predicted to lead to a protein with an in-frame deletion of 3 amino acids and insertion of 1 amino acid (predicted p.M438_A440delinsT); however, the exact functional effect of the altered amino acid sequence is unknown (Ambry internal data). Based on the available evidence, the clinical significance of this variant remains unclear.

NM_000038.6(APC):c.1313-1G>A

Gene: APC (APC regulator of Wnt signaling pathway; plus strand). Cytogenetic location: 5q22.2.
Variant type: single nucleotide variant.
Coding change: c.1313-1G>A on transcript NM_000038.6 (MANE Select); the canonical splice acceptor site of the intron before coding-DNA position 1313, G replaced by A.
Molecular consequence: splice acceptor variant.
Genome position (GRCh38, 1-based): chr5:112,821,895, G>A. VCF-style: chr5-112821895-G-A. GRCh37 (hg19) VCF-style: chr5-112157592-G-A.
Other names: c.1136-1G>A (NM_001354901.2, NM_001407453.1, NM_001354900.2); c.833-1G>A (NM_001354905.2); c.464-1G>A (NM_001407470.1, NM_001354906.2); c.161-1G>A (NM_001407472.1, NM_001407471.1); c.1313-1G>A (NM_001407447.1, NM_001354895.2, NM_001407448.1 and 4 more transcripts); c.1010-1G>A (NM_001407456.1, NM_001407460.1, NM_001407457.1 and 5 more transcripts); c.1229-1G>A (NM_001407452.1, NM_001354899.2); c.926-1G>A (NM_001407469.1, NM_001407467.1); and 5 more.
Identifiers: ClinVar variation 3405896 (VCV003405896.1).